The following is an entry in ClinVar:

NM_007294.4(BRCA1):c.5194-3del

Gene: BRCA1 (BRCA1 DNA repair associated; minus strand). Cytogenetic location: 17q21.31.
Variant type: Deletion.
Coding change: c.5194-3del on transcript NM_007294.4 (MANE Select); 3 bases into the intron before coding-DNA position 5194, one base deleted (C; older notation c.5194-3delC).
Molecular consequence: intron variant.
Genome position (GRCh38, 1-based): chr17:43,057,138, G deleted on the plus strand (C on the coding strand, the reverse complement: BRCA1 is on the minus strand). VCF-style (leftmost placement, unchanged base first): chr17-43057137-TG-T. GRCh37 (hg19) VCF-style: chr17-41209154-TG-T.
Other names: c.1741-3del (NM_001408458.1, NM_001408461.1, NM_001408464.1 and 7 more transcripts); c.4303-3del (NM_001407967.1); c.4813-3del (NM_001407959.1); c.4927-3del (NM_001407931.1, NM_001407932.1, NM_001407928.1 and 4 more transcripts); c.5050-3del (NM_001407747.1, NM_001407745.1, NM_001407737.1 and 21 more transcripts); c.4810-3del (NM_001407962.1, NM_001407960.1); c.1381-3del (NM_001408512.1); c.1504-3del (NM_001408510.1); and 72 more.
Identifiers: ClinVar variation 2010778 (VCV002010778.4), dbSNP rs2548524115, ClinGen allele CA2580093924.

ClinVar aggregate classification (germline): Uncertain significance (1 of 4 stars; one submission).

Conditions:
Hereditary breast ovarian cancer syndrome. Also called: Hereditary breast and ovarian cancer syndrome (HBOC); Hereditary breast and ovarian cancer syndrome; Hereditary breast and ovarian cancer; Breast and ovarian cancer; BRCA1- and BRCA2-Associated Hereditary Breast and Ovarian Cancer; Hereditary breast and/or ovarian cancer syndrome. Identifiers: Orphanet 145, MedGen C0677776, MeSH D061325, MONDO:0003582. Disease mechanism: loss of function.

Allele frequency attached by ClinVar (database versions not stated): gnomAD exomes below 0.00001.

Submission:

Labcorp Genetics (formerly Invitae), Labcorp
Classification: Uncertain significance for Hereditary breast ovarian cancer syndrome. Last evaluated: 2022-06-26. Review status: criteria provided, single submitter. Criteria: Invitae Variant Classification Sherloc (09022015). Collection method: clinical testing. Allele origin: germline.
Comment: In summary, the available evidence is currently insufficient to determine the role of this variant in disease. Therefore, it has been classified as a Variant of Uncertain Significance. This sequence change falls in intron 18 of the BRCA1 gene. It does not directly change the encoded amino acid sequence of the BRCA1 protein. It affects a nucleotide within the consensus splice site. This variant is not present in population databases (gnomAD no frequency). This variant has not been reported in the literature in individuals affected with BRCA1-related conditions. Variants that disrupt the consensus splice site are a relatively common cause of aberrant splicing (PMID: 17576681, 9536098). Algorithms developed to predict the effect of sequence changes on RNA splicing suggest that this variant is not likely to affect RNA splicing.

Literature cited by the submitters: PubMed 17576681; PubMed 9536098.